The following is an entry in ClinVar:

ClinVar aggregate classification (germline): Uncertain significance (1 of 4 stars; one submission).

Conditions:
Developmental and epileptic encephalopathy, 53. Also called: Epileptic encephalopathy, early infantile, 53. Identifiers: MedGen C4479313, MONDO:0033362, OMIM 617389.
Early-onset Parkinson disease 20. Also called: PARKINSON DISEASE 20, AUTOSOMAL RECESSIVE EARLY-ONSET. Identifiers: Orphanet 391411, MedGen C3809824, MONDO:0014233, OMIM 615530.

Allele frequency attached by ClinVar (database versions not stated): gnomAD exomes below 0.00001 and 0.00001; TOPMed below 0.00001; ExAC 0.00001; gnomAD 0.00001.
gnomAD v4.1: 6 of 1,614,006 alleles (0.00037%); highest among the groups gnomAD compares: Non-Finnish European, 0.00051%; no homozygotes.

Submission:

Labcorp Genetics (formerly Invitae), Labcorp
Classification: Uncertain significance for Developmental and epileptic encephalopathy, 53; Early-onset Parkinson disease 20. Last evaluated: 2021-10-24. Review status: criteria provided, single submitter. Criteria: Invitae Variant Classification Sherloc (09022015). Collection method: clinical testing. Allele origin: germline.
Comment: This sequence change replaces isoleucine with valine at codon 1436 of the SYNJ1 protein (p.Ile1436Val). The isoleucine residue is weakly conserved and there is a small physicochemical difference between isoleucine and valine. This variant is present in population databases (rs781139343, ExAC 0.002%). This variant has not been reported in the literature in individuals affected with SYNJ1-related conditions. Algorithms developed to predict the effect of missense changes on protein structure and function output the following: SIFT: "Tolerated"; PolyPhen-2: "Benign"; Align-GVGD: "Class C0". The valine amino acid residue is found in multiple mammalian species, which suggests that this missense change does not adversely affect protein function. In summary, the available evidence is currently insufficient to determine the role of this variant in disease. Therefore, it has been classified as a Variant of Uncertain Significance.

NM_203446.3(SYNJ1):c.*277A>G

Gene: SYNJ1 (synaptojanin 1; minus strand). Cytogenetic location: 21q22.11.
Variant type: single nucleotide variant.
Coding change: c.*277A>G on transcript NM_203446.3 (MANE Select); 277 bases downstream of the stop codon, A replaced by G.
Molecular consequence: 3 prime UTR variant. On other transcripts: missense variant (2).
Genome position (GRCh38, 1-based): chr21:32,631,528, T>C on the plus strand (A>G on the coding strand, the complement: SYNJ1 is on the minus strand). VCF-style: chr21-32631528-T-C. GRCh37 (hg19) VCF-style: chr21-34003838-T-C.
Other names: c.*277A>G (NM_001160302.2); c.4048A>G, p.Ile1350Val (NM_001160306.2); c.4306A>G, p.Ile1436Val (NM_003895.4); short protein forms I1350V, I1436V.
Identifiers: ClinVar variation 1444744 (VCV001444744.5), dbSNP rs781139343, ClinGen allele CA10003140.